The following is an entry in ClinVar:

ClinVar aggregate classification (germline): Likely benign. Review status: reviewed by expert panel (3 of 4 stars). 8 submissions from 8 submitters: Likely benign (1). 7 of the submissions do not count toward it. Last evaluated 2024-08-12.

Conditions:
Hereditary von Willebrand disease. Identifiers: Orphanet 903, MedGen C5703318, MONDO:0019565. Inheritance: Autosomal recessive or Autosomal dominant.
von Willebrand disease type 1 (VWD1). Also called: VON WILLEBRAND DISEASE, TYPE I; VWD, TYPE 1. Identifiers: Orphanet 166078, Orphanet 903, MedGen C1264039, MONDO:0008668, OMIM 193400. Inheritance: autosomal recessive or autosomal dominant.

Allele frequency attached by ClinVar (database versions not stated): gnomAD exomes 0.00092; ExAC 0.00211; TOPMed 0.00595; gnomAD 0.00611 and 0.00651; ESP Exome Variant Server 0.00623; 1000 Genomes Project 0.00859; 1000 Genomes Project 30x 0.00906.
gnomAD v4.1: 2,341 of 1,614,140 alleles (0.15%); highest among the groups gnomAD compares: African/African-American, 2.2%; 23 homozygotes.

Submissions (8):

ClinGen von Willebrand Disease Variant Curation Expert Panel, ClinGen
Classification: Likely benign for Hereditary von Willebrand disease. Last evaluated: 2024-08-12. Review status: reviewed by expert panel. Criteria: ClinGen VWD 2A B M Rules. Collection method: curation. Allele origin: germline.
Comment: NM_000552.5:c.391G>A is a missense variant in VWF that replaces glycine with serine at position 131. The Grpmax filtering allele frequency in gnomAD v4.1 is 0.02093 (based on 1636/75004 alleles in the African/African-American population), which is higher than the ClinGen VWD VCEP threshold (>0.01) for BS1, and therefore meets this criterion (BS1). This variant has been reported in the heterozygous state in at least 5 reported healthy control individuals with no bleeding history and normal lab values (PMID: 22197721). However, BS2 has not been considered since this code is not applicable to the gene-disease relationship due to incomplete penetrance. The computational predictor REVEL gives a score of 0.141, which is below the ClinGen VWD VCEP threshold of <0.290 and does not predict a damaging effect on VWF function (BP4). Additionally, the computational splicing predictor SpliceAI indicated that the variant has no impact on splicing. In summary, this variant meets the criteria to be classified as a variant of unknown significance for hereditary von Willebrand disease based on the ACMG/AMP criteria applied, as specified by the ClinGen VWD VCEP: BS1, BP4.

ARUP Laboratories, Molecular Genetics and Genomics, ARUP Laboratories
Classification: Likely benign. Last evaluated: 2025-02-19. Review status: criteria provided, single submitter. Criteria: ARUP Molecular Germline Variant Investigation Process 2024. Collection method: clinical testing. Allele origin: germline. Not counted in ClinVar's aggregate classification.

CeGaT Center for Human Genetics Tuebingen
Classification: Benign. Last evaluated: 2023-11-01. Review status: criteria provided, single submitter. Criteria: CeGaT Center For Human Genetics Tuebingen Variant Classification Criteria Version 2. Collection method: clinical testing. Allele origin: germline. Affected: yes. Observed: 1 variant allele. Not counted in ClinVar's aggregate classification.
Comment: VWF: BP4, BS1, BS2

Mayo Clinic Laboratories, Mayo Clinic
Classification: Likely benign. Last evaluated: 2022-09-08. Review status: criteria provided, single submitter. Criteria: ACMG Guidelines, 2015. Collection method: clinical testing. Allele origin: germline. Observed: 9 variant alleles. Not counted in ClinVar's aggregate classification.
Comment: BS1, BP4

Quest Diagnostics Nichols Institute San Juan Capistrano
Classification: Benign. Last evaluated: 2022-07-20. Review status: criteria provided, single submitter. Criteria: Quest Diagnostics criteria. Collection method: clinical testing. Allele origin: unknown. Not counted in ClinVar's aggregate classification.

GeneDx
Classification: Likely benign. Last evaluated: 2021-11-06. Review status: criteria provided, single submitter. Criteria: GeneDx Variant Classification Process June 2021. Collection method: clinical testing. Allele origin: germline. Affected: yes. Not counted in ClinVar's aggregate classification.
Comment: See Variant Classification Assertion Criteria.

Genetics and Molecular Pathology, SA Pathology
Classification: Benign for von Willebrand disease type 1. Last evaluated: 2019-11-07. Review status: criteria provided, single submitter. Criteria: ACMG Guidelines, 2015. Collection method: clinical testing. Allele origin: germline. Affected: yes. Not counted in ClinVar's aggregate classification.

PreventionGenetics, part of Exact Sciences
Classification: Likely benign. Review status: criteria provided, single submitter. Criteria: ACMG Guidelines, 2015. Collection method: clinical testing. Allele origin: germline. Not counted in ClinVar's aggregate classification.

Literature cited by the submitters: PubMed 22197721 (cited by Quest Diagnostics Nichols Institute San Juan Capistrano); PubMed 23648131 (cited by Quest Diagnostics Nichols Institute San Juan Capistrano); PubMed 33556167 (cited by Quest Diagnostics Nichols Institute San Juan Capistrano).

NM_000552.5(VWF):c.391G>A (p.Gly131Ser)

Gene: VWF (von Willebrand factor; minus strand). Cytogenetic location: 12p13.31.
Variant type: single nucleotide variant.
Coding change: c.391G>A on transcript NM_000552.5 (MANE Select); coding-DNA position 391, G replaced by A.
Protein change: p.Gly131Ser; replaces glycine 131 with serine.
Molecular consequence: missense variant.
Genome position (GRCh38, 1-based): chr12:6,110,515, C>T on the plus strand (G>A on the coding strand, the complement: VWF is on the minus strand). VCF-style: chr12-6110515-C-T. GRCh37 (hg19) VCF-style: chr12-6219681-C-T.
Other names: NM_000552.5(VWF):c.391G>A; p.Gly131Ser; short protein forms G131S.
Identifiers: ClinVar variation 256677 (VCV000256677.41), dbSNP rs76505074, ClinGen allele CA6403810.